The following is an entry in ClinVar:

ClinVar aggregate classification (germline): Pathogenic (1 of 4 stars; one submission).

Submission:

GeneDx
Classification: Pathogenic. Last evaluated: 2025-03-11. Review status: criteria provided, single submitter. Criteria: GeneDx Variant Classification Process June 2021. Collection method: clinical testing. Allele origin: germline.
Comment: Nonsense variant predicted to result in protein truncation or nonsense mediated decay in a gene for which loss-of-function is a known mechanism of disease; Not observed at significant frequency in large population cohorts (gnomAD); This variant is associated with the following publications: (PMID: 27499327, 38527221)

NM_001009944.3(PKD1):c.9046C>T (p.Gln3016Ter)

Gene: PKD1 (polycystin 1, transient receptor potential channel interacting; minus strand). Cytogenetic location: 16p13.3.
Variant type: single nucleotide variant.
Coding change: c.9046C>T on transcript NM_001009944.3 (MANE Select); coding-DNA position 9046, C replaced by T.
Protein change: p.Gln3016Ter; replaces glutamine 3016 with a stop codon.
Molecular consequence: nonsense.
Genome position (GRCh38, 1-based): chr16:2,102,536, G>A on the plus strand (C>T on the coding strand, the complement: PKD1 is on the minus strand). VCF-style: chr16-2102536-G-A. GRCh37 (hg19) VCF-style: chr16-2152537-G-A.
Other names: c.9046C>T, p.Gln3016Ter (NM_000296.4); short protein forms Q3016*.
Identifiers: ClinVar variation 1706384 (VCV001706384.3), dbSNP rs2544733512, ClinGen allele CA394360751.